The following is an entry in ClinVar:

ClinVar aggregate classification (germline): Likely benign. Review status: criteria provided, single submitter (1 of 4 stars). 2 submissions from 2 submitters: Likely benign (1). 1 of the submissions does not count toward it. Last evaluated 2024-10-28.

Conditions:
KIRREL1-related disorder. Also called: KIRREL1-related condition.

Allele frequency attached by ClinVar (database versions not stated): ESP Exome Variant Server 0.00015; gnomAD exomes 0.00015; TOPMed 0.00037; gnomAD 0.00044; ExAC 0.00049; 1000 Genomes Project 30x 0.00234; 1000 Genomes Project 0.00260.
gnomAD v4.1: 379 of 1,614,242 alleles (0.023%); highest among the groups gnomAD compares: East Asian, 0.4%; 1 homozygote.

Submissions (2):

Blueprint Genetics
Classification: Likely benign. Last evaluated: 2024-10-28. Review status: criteria provided, single submitter. Criteria: ACMG Guidelines, 2015. Collection method: clinical testing. Allele origin: germline.

PreventionGenetics, part of Exact Sciences
Classification: Likely benign for KIRREL1-related condition. Last evaluated: 2020-06-26. Review status: no assertion criteria provided. Collection method: clinical testing. Allele origin: germline. Not counted in ClinVar's aggregate classification.
Comment: This variant is classified as likely benign based on ACMG/AMP sequence variant interpretation guidelines (Richards et al. 2015 PMID: 25741868, with internal and published modifications).

NM_018240.7(KIRREL1):c.1419C>T (p.Thr473=)

Gene: KIRREL1 (kirre like nephrin family adhesion molecule 1; plus strand). Cytogenetic location: 1q23.1.
Variant type: single nucleotide variant.
Coding change: c.1419C>T on transcript NM_018240.7 (MANE Select); coding-DNA position 1419, C replaced by T.
Protein change: p.Thr473=; no amino-acid change (threonine 473 retained).
Molecular consequence: synonymous variant.
Genome position (GRCh38, 1-based): chr1:158,091,504, C>T. VCF-style: chr1-158091504-C-T. GRCh37 (hg19) VCF-style: chr1-158061294-C-T.
Other names: c.1119C>T, p.Thr373= (NM_001286349.2).
Identifiers: ClinVar variation 3040530 (VCV003040530.3), dbSNP rs140279613, ClinGen allele CA1177659.